The following is an entry in ClinVar:

NM_001374353.1(GLI2):c.2230C>T (p.Leu744Phe)

Gene: GLI2 (GLI family zinc finger 2; plus strand). Cytogenetic location: 2q14.2.
Variant type: single nucleotide variant.
Coding change: c.2230C>T on transcript NM_001374353.1 (MANE Select); coding-DNA position 2230, C replaced by T.
Protein change: p.Leu744Phe; replaces leucine 744 with phenylalanine.
Molecular consequence: missense variant.
Genome position (GRCh38, 1-based): chr2:120,986,602, C>T. VCF-style: chr2-120986602-C-T. GRCh37 (hg19) VCF-style: chr2-121744178-C-T.
Other names: c.2281C>T, p.Leu761Phe (NM_001371271.1, NM_005270.5); c.1855C>T, p.Leu619Phe (NM_001374354.1); short protein forms L619F, L744F, L761F.
Identifiers: ClinVar variation 3759046 (VCV003759046.2).

ClinVar aggregate classification (germline): Uncertain significance (1 of 4 stars; one submission).

Conditions:
Holoprosencephaly 9 (HPE9). Also called: PITUITARY ANOMALIES WITH HOLOPROSENCEPHALY-LIKE FEATURES; HOLOPROSENCEPHALY WITH MICROPHTHALMIA AND FIRST BRANCHIAL ARCH ANOMALIES. Identifiers: Orphanet 2162, MedGen C1835819, MONDO:0012563, OMIM 610829.
Postaxial polydactyly-anterior pituitary anomalies-facial dysmorphism syndrome. Also called: Culler-Jones syndrome. Identifiers: Orphanet 420584, MedGen C4014479, MONDO:0014369, OMIM 615849.

gnomAD v4.1: 3 of 1,613,992 alleles (0.00019%); highest among the groups gnomAD compares: Admixed American, 0.0033%; no homozygotes.

Submission:

Labcorp Genetics (formerly Invitae), Labcorp
Classification: Uncertain significance for Postaxial polydactyly-anterior pituitary anomalies-facial dysmorphism syndrome; Holoprosencephaly 9. Last evaluated: 2025-06-12. Review status: criteria provided, single submitter. Criteria: Invitae Variant Classification Sherloc (09022015). Collection method: clinical testing. Allele origin: germline.
Comment: This sequence change replaces leucine, which is neutral and non-polar, with phenylalanine, which is neutral and non-polar, at codon 761 of the GLI2 protein (p.Leu761Phe). This variant is not present in population databases (gnomAD no frequency). This missense change has been observed in individuals with clinical features of GLI2-related conditions (PMID: 24744436, 25056824, 33729509). ClinVar contains an entry for this variant (Variation ID: 3759046). Invitae Evidence Modeling of protein sequence and biophysical properties (such as structural, functional, and spatial information, amino acid conservation, physicochemical variation, residue mobility, and thermodynamic stability) indicates that this missense variant is expected to disrupt GLI2 protein function with a positive predictive value of 80%. In summary, the available evidence is currently insufficient to determine the role of this variant in disease. Therefore, it has been classified as a Variant of Uncertain Significance.

Literature cited by the submitters: PubMed 24744436; PubMed 25056824; PubMed 33729509.